The following is an entry in ClinVar:

NM_001378454.1(ALMS1):c.11834A>G (p.Asp3945Gly)

Gene: ALMS1 (ALMS1 centrosome and basal body associated protein; plus strand). Cytogenetic location: 2p13.1.
Variant type: single nucleotide variant.
Coding change: c.11834A>G on transcript NM_001378454.1 (MANE Select); coding-DNA position 11834, A replaced by G.
Protein change: p.Asp3945Gly; replaces aspartic acid 3945 with glycine.
Molecular consequence: missense variant.
Genome position (GRCh38, 1-based): chr2:73,600,843, A>G. VCF-style: chr2-73600843-A-G. GRCh37 (hg19) VCF-style: chr2-73827970-A-G.
Other names: c.11837A>G, p.Asp3946Gly (NM_015120.4); short protein forms D3945G, D3946G.
Identifiers: ClinVar variation 4845062 (VCV004845062.2).

ClinVar aggregate classification (germline): Uncertain significance. Review status: criteria provided, multiple submitters, no conflicts (2 of 4 stars). 2 submissions from 2 submitters: Uncertain significance (2). Last evaluated 2026-02-18.

Conditions:
Cardiovascular phenotype. Identifiers: MedGen CN230736.
ALMS1-related disorder. Also called: ALMS1-related condition.

Submissions (2):

Ambry Genetics
Classification: Uncertain significance for Cardiovascular phenotype. Last evaluated: 2026-02-18. Review status: criteria provided, single submitter. Criteria: Ambry Variant Classification Scheme 2023. Collection method: clinical testing. Allele origin: germline.
Comment: The p.D3946G variant (also known as c.11837A>G), located in coding exon 18 of the ALMS1 gene, results from an A to G substitution at nucleotide position 11837. The aspartic acid at codon 3946 is replaced by glycine, an amino acid with similar properties. This amino acid position is well conserved in available vertebrate species. In addition, this alteration is predicted to be tolerated by in silico analysis. Based on the available evidence, the clinical significance of this variant remains unclear.

PreventionGenetics, part of Exact Sciences
Classification: Uncertain significance for ALMS1-related condition. Last evaluated: 2025-05-01. Review status: criteria provided, single submitter. Criteria: ACMG Guidelines, 2015. Collection method: clinical testing. Allele origin: germline.
Comment: The ALMS1 c.11837A>G variant is predicted to result in the amino acid substitution p.Lys3946Arg. To our knowledge, this variant has not been reported in the literature. This variant is reported in 0.00088% of alleles in individuals of European (Non-Finnish) descent in gnomAD. At this time, the clinical significance of this variant is uncertain due to the absence of conclusive functional and genetic evidence.